The following is an entry in ClinVar:

NM_002579.3(PALM):c.458A>G (p.Asn153Ser)

Gene: PALM (paralemmin; plus strand). Cytogenetic location: 19p13.3.
Variant type: single nucleotide variant.
Coding change: c.458A>G on transcript NM_002579.3 (MANE Select); coding-DNA position 458, A replaced by G.
Protein change: p.Asn153Ser; replaces asparagine 153 with serine.
Molecular consequence: missense variant.
Genome position (GRCh38, 1-based): chr19:736,034, A>G. VCF-style: chr19-736034-A-G. GRCh37 (hg19) VCF-style: chr19-736034-A-G.
Other names: c.458A>G, p.Asn153Ser (NM_001040134.2); short protein forms N153S.
Identifiers: ClinVar variation 2992615 (VCV002992615.3), dbSNP rs747841598, ClinGen allele CA9022643.
Genomic context (GRCh38, chr19:736,034, plus strand): 5'-CTCCTCTGACCCTCATCTCTCTCTCCGCTTCCACCTCCCGTGCAGACAAGCGAGTCTCCA[A>G]CACGCCCCTGAGGACGGTTGACGGCTCCCCCATGATGAAGGCAGGTGGGTTGGCCCCCAG-3'
Protein context (NP_002570.2, residues 143-163): VGTPKDKRVS[Asn153Ser]TPLRTVDGSP

ClinVar aggregate classification (germline): Uncertain significance (1 of 4 stars; one submission).

Allele frequency attached by ClinVar (database versions not stated): ExAC 0.00001; gnomAD 0.00001; gnomAD exomes 0.00001.
gnomAD v4.1: 11 of 1,609,902 alleles (0.00068%); highest among the groups gnomAD compares: South Asian, 0.0044%; no homozygotes.

Submission:

Labcorp Genetics (formerly Invitae), Labcorp
Classification: Uncertain significance. Last evaluated: 2023-11-04. Review status: criteria provided, single submitter. Criteria: Invitae Variant Classification Sherloc (09022015). Collection method: clinical testing. Allele origin: germline.
Comment: This sequence change replaces asparagine, which is neutral and polar, with serine, which is neutral and polar, at codon 153 of the PALM protein (p.Asn153Ser). This variant is present in population databases (rs747841598, gnomAD 0.007%). This variant has not been reported in the literature in individuals affected with PALM-related conditions. Algorithms developed to predict the effect of missense changes on protein structure and function output the following: SIFT: "Not Available"; PolyPhen-2: "Benign"; Align-GVGD: "Not Available". The serine amino acid residue is found in multiple mammalian species, which suggests that this missense change does not adversely affect protein function. In summary, the available evidence is currently insufficient to determine the role of this variant in disease. Therefore, it has been classified as a Variant of Uncertain Significance.